The following is an entry in ClinVar:

ClinVar aggregate classification (germline): Uncertain significance (1 of 4 stars; one submission).

Submission:

Labcorp Genetics (formerly Invitae), Labcorp
Classification: Uncertain significance. Last evaluated: 2024-06-20. Review status: criteria provided, single submitter. Criteria: Invitae Variant Classification Sherloc (09022015). Collection method: clinical testing. Allele origin: germline.
Comment: This sequence change replaces methionine, which is neutral and non-polar, with valine, which is neutral and non-polar, at codon 443 of the SETBP1 protein (p.Met443Val). This variant is not present in population databases (gnomAD no frequency). This variant has not been reported in the literature in individuals affected with SETBP1-related conditions. Advanced modeling of protein sequence and biophysical properties (such as structural, functional, and spatial information, amino acid conservation, physicochemical variation, residue mobility, and thermodynamic stability) performed at Invitae indicates that this missense variant is not expected to disrupt SETBP1 protein function with a negative predictive value of 80%. In summary, the available evidence is currently insufficient to determine the role of this variant in disease. Therefore, it has been classified as a Variant of Uncertain Significance.

NM_015559.3(SETBP1):c.1327A>G (p.Met443Val)

Gene: SETBP1 (SET binding protein 1; plus strand). Cytogenetic location: 18q12.3.
Variant type: single nucleotide variant.
Coding change: c.1327A>G on transcript NM_015559.3 (MANE Select); coding-DNA position 1327, A replaced by G.
Protein change: p.Met443Val; replaces methionine 443 with valine.
Molecular consequence: missense variant.
Genome position (GRCh38, 1-based): chr18:44,950,667, A>G. VCF-style: chr18-44950667-A-G. GRCh37 (hg19) VCF-style: chr18-42530632-A-G.
Other names: c.1327A>G, p.Met443Val (NM_001410862.1, NM_001379141.1, NM_001379142.1); short protein forms M443V.
Identifiers: ClinVar variation 3677841 (VCV003677841.2).